The following is an entry in ClinVar:

NM_002307.4(LGALS7):c.153C>T (p.Phe51=)

Gene: LGALS7 (galectin 7; minus strand). Cytogenetic location: 19q13.2.
Variant type: single nucleotide variant.
Coding change: c.153C>T on transcript NM_002307.4 (MANE Select); coding-DNA position 153, C replaced by T.
Protein change: p.Phe51=; no amino-acid change (phenylalanine 51 retained).
Molecular consequence: synonymous variant.
Genome position (GRCh38, 1-based): chr19:38,771,973, G>A on the plus strand (C>T on the coding strand, the complement: LGALS7 is on the minus strand). VCF-style: chr19-38771973-G-A. GRCh37 (hg19) VCF-style: chr19-39262613-G-A.
Identifiers: ClinVar variation 2649821 (VCV002649821.24), dbSNP rs781413532, ClinGen allele CA9419394.

ClinVar aggregate classification (germline): Likely benign (1 of 4 stars; one submission).

Allele frequency attached by ClinVar (database versions not stated): gnomAD exomes 0.00003; ExAC 0.00007; gnomAD 0.00011.

Submission:

CeGaT Center for Human Genetics Tuebingen
Classification: Likely benign. Last evaluated: 2022-08-01. Review status: criteria provided, single submitter. Criteria: CeGaT Center For Human Genetics Tuebingen Variant Classification Criteria Version 2. Collection method: clinical testing. Allele origin: germline. Affected: yes. Observed: 1 variant allele.
Comment: LGALS7: BP4, BP7